The following is an entry in ClinVar:

ClinVar aggregate classification (germline): Uncertain significance. Review status: criteria provided, multiple submitters, no conflicts (2 of 4 stars). 2 submissions from 2 submitters: Uncertain significance (2). Last evaluated 2023-12-31.

Conditions:
Cardiovascular phenotype. Identifiers: MedGen CN230736.

Allele frequency attached by ClinVar (database versions not stated): gnomAD 0.00001; gnomAD exomes 0.00001; TOPMed 0.00001.
gnomAD v4.1: 10 of 1,553,778 alleles (0.00064%); highest among the groups gnomAD compares: Non-Finnish European, 0.00087%; no homozygotes.

Submissions (2):

Ambry Genetics
Classification: Uncertain significance for Cardiovascular phenotype. Last evaluated: 2023-12-31. Review status: criteria provided, single submitter. Criteria: Ambry Variant Classification Scheme 2023. Collection method: clinical testing. Allele origin: germline.
Comment: The p.G400S variant (also known as c.1198G>A), located in coding exon 2 of the TNXB gene, results from a G to A substitution at nucleotide position 1198. The glycine at codon 400 is replaced by serine, an amino acid with similar properties. This amino acid position is conserved. In addition, this alteration is predicted to be tolerated by in silico analysis. Since supporting evidence is limited at this time, the clinical significance of this alteration remains unclear.

Mayo Clinic Laboratories, Mayo Clinic
Classification: Uncertain significance. Last evaluated: 2023-08-17. Review status: criteria provided, single submitter. Criteria: ACMG Guidelines, 2015. Collection method: clinical testing. Allele origin: germline. Observed: 1 variant allele.
Comment: BP4, PM2

NM_001365276.2(TNXB):c.1198G>A (p.Gly400Ser)

Gene: TNXB (tenascin XB; minus strand). Cytogenetic location: 6p21.33.
Variant type: single nucleotide variant.
Coding change: c.1198G>A on transcript NM_001365276.2 (MANE Select); coding-DNA position 1198, G replaced by A.
Protein change: p.Gly400Ser; replaces glycine 400 with serine.
Molecular consequence: missense variant.
Genome position (GRCh38, 1-based): chr6:32,096,655, C>T on the plus strand (G>A on the coding strand, the complement: TNXB is on the minus strand). VCF-style: chr6-32096655-C-T. GRCh37 (hg19) VCF-style: chr6-32064432-C-T.
Other names: p.Gly400Ser; c.1198G>A, p.Gly400Ser (NM_001428335.1, NM_019105.8); short protein forms G400S.
Identifiers: ClinVar variation 3227232 (VCV003227232.2), dbSNP rs766056728, ClinGen allele CA3735719.